The following is an entry in ClinVar:

NM_001267550.2(TTN):c.57712_57715dup (p.Thr19239fs)

Genes: TTN (titin; minus strand), TTN-AS1 (TTN antisense RNA 1; plus strand). Cytogenetic location: 2q31.2.
Variant type: Duplication.
Coding change: c.57712_57715dup on transcript NM_001267550.2 (MANE Select); coding-DNA positions 57712 to 57715, 4 bases duplicated (GTTA; older notation c.57712_57715dupGTTA).
Protein change: p.Thr19239fs; shifts the reading frame from threonine 19239.
Molecular consequence: frameshift variant.
Genome position (GRCh38, 1-based): chr2:178,595,639-178,595,642, TAAC duplicated on the plus strand (GTTA on the coding strand, the reverse complement: TTN is on the minus strand); duplicating any 4 consecutive bases within chr2:178,595,639-178,595,643 gives the same sequence; the c. name uses the placement nearest the transcript's 3' end. VCF-style (leftmost placement, unchanged base first): chr2-178595638-G-GTAAC. GRCh37 (hg19) VCF-style: chr2-179460365-G-GTAAC.
Other names: c.52789_52792dup, p.Thr17598fs (NM_001256850.1); c.30517_30520dup, p.Thr10174fs (NM_003319.4); c.50008_50011dup, p.Thr16671fs (NM_133378.4); c.30892_30895dup, p.Thr10299fs (NM_133432.3); c.31093_31096dup, p.Thr10366fs (NM_133437.4); short protein forms T10174fs, T10299fs, T10366fs, T16671fs, T17598fs, T19239fs.
Identifiers: ClinVar variation 3760244 (VCV003760244.2).

ClinVar aggregate classification (germline): Likely pathogenic (1 of 4 stars; one submission).

Conditions:
Dilated cardiomyopathy 1G (CMD1G). Identifiers: Orphanet 154, MedGen C1858763, MONDO:0011400, OMIM 604145.
Autosomal recessive limb-girdle muscular dystrophy type 2J (LGMDR10). Also called: Limb-girdle muscular dystrophy, type 2J; MUSCULAR DYSTROPHY, LIMB-GIRDLE, AUTOSOMAL RECESSIVE 10. Identifiers: Orphanet 140922, MedGen C1837342, MONDO:0012127, OMIM 608807.

Submission:

Labcorp Genetics (formerly Invitae), Labcorp
Classification: Likely pathogenic for Dilated cardiomyopathy 1G; Autosomal recessive limb-girdle muscular dystrophy type 2J. Last evaluated: 2025-01-05. Review status: criteria provided, single submitter. Criteria: Invitae Variant Classification Sherloc (09022015). Collection method: clinical testing. Allele origin: germline.
Comment: This sequence change creates a premature translational stop signal (p.Thr19239Serfs*24) in the TTN gene. While this is not anticipated to result in nonsense mediated decay, it is expected to create a truncated TTN protein. This variant is not present in population databases (gnomAD no frequency). This variant has not been reported in the literature in individuals affected with TTN-related conditions. This variant is located in the A band of TTN (PMID: 25589632). Truncating variants in this region are significantly overrepresented in patients affected with dilated cardiomyopathy (PMID: 25589632). Truncating variants in this region have also been reported in individuals affected with autosomal recessive centronuclear myopathy (PMID: 23975875). In summary, the currently available evidence indicates that the variant is pathogenic, but additional data are needed to prove that conclusively. Therefore, this variant has been classified as Likely Pathogenic.

Literature cited by the submitters: PubMed 25589632; PubMed 23975875.